The following is an entry in ClinVar:

NM_004994.3(MMP9):c.1540G>T (p.Asp514Tyr)

Gene: MMP9 (matrix metallopeptidase 9; plus strand). Cytogenetic location: 20q13.12.
Variant type: single nucleotide variant.
Coding change: c.1540G>T on transcript NM_004994.3 (MANE Select); coding-DNA position 1540, G replaced by T.
Protein change: p.Asp514Tyr; replaces aspartic acid 514 with tyrosine.
Molecular consequence: missense variant.
Genome position (GRCh38, 1-based): chr20:46,013,464, G>T. VCF-style: chr20-46013464-G-T. GRCh37 (hg19) VCF-style: chr20-44642103-G-T.
Other names: short protein forms D514Y.
Identifiers: ClinVar variation 3648038 (VCV003648038.2).
Genomic context (GRCh38, chr20:46,013,464, plus strand): 5'-ACAGGTCCCCCCACTGCTGGCCCTTCTACGGCCACTACTGTGCCTTTGAGTCCGGTGGAC[G>T]ATGCCTGCAACGTGAACATCTTCGACGCCATCGCGGAGATTGGGAACCAGCTGTATTTGT-3'
Protein context (NP_004985.2, residues 504-524): ATTVPLSPVD[Asp514Tyr]ACNVNIFDAI

ClinVar aggregate classification (germline): Uncertain significance (1 of 4 stars; one submission).

Submission:

Labcorp Genetics (formerly Invitae), Labcorp
Classification: Uncertain significance. Last evaluated: 2024-08-29. Review status: criteria provided, single submitter. Criteria: Invitae Variant Classification Sherloc (09022015). Collection method: clinical testing. Allele origin: germline.
Comment: This sequence change replaces aspartic acid, which is acidic and polar, with tyrosine, which is neutral and polar, at codon 514 of the MMP9 protein (p.Asp514Tyr). This variant is not present in population databases (gnomAD no frequency). This variant has not been reported in the literature in individuals affected with MMP9-related conditions. Invitae Evidence Modeling of protein sequence and biophysical properties (such as structural, functional, and spatial information, amino acid conservation, physicochemical variation, residue mobility, and thermodynamic stability) has been performed for this missense variant. However, the output from this modeling did not meet the statistical confidence thresholds required to predict the impact of this variant on MMP9 protein function. In summary, the available evidence is currently insufficient to determine the role of this variant in disease. Therefore, it has been classified as a Variant of Uncertain Significance.